The following is an entry in ClinVar:

NM_000465.4(BARD1):c.1569-42C>T

Gene: BARD1 (BRCA1 associated RING domain 1; minus strand). Cytogenetic location: 2q35.
Variant type: single nucleotide variant.
Coding change: c.1569-42C>T on transcript NM_000465.4 (MANE Select); 42 bases into the intron before coding-DNA position 1569, C replaced by T.
Molecular consequence: intron variant.
Genome position (GRCh38, 1-based): chr2:214,752,597, G>A on the plus strand (C>T on the coding strand, the complement: BARD1 is on the minus strand). VCF-style: chr2-214752597-G-A. GRCh37 (hg19) VCF-style: chr2-215617321-G-A.
Other names: c.159-42C>T (NM_001282548.2); c.1512-42C>T (NM_001282543.2); c.216-42C>T (NM_001282545.2); c.365-22089C>T (NM_001282549.2).
Identifiers: ClinVar variation 3765363 (VCV003765363.1).
Genomic context (GRCh38, chr2:214,752,597, plus strand): 5'-CCGCAGACCAAATATATTACTGGTAAAATAAGTGCAGATGTGTTTAAGTAAGTCAAATGT[G>A]TGACTCGACTCAATTTTTCAACATCCTTAATAATATACAATTTTAACTAAAATAAATTAC-3'

ClinVar aggregate classification (germline): Likely benign (1 of 4 stars; one submission).

gnomAD v4.1: 11 of 1,429,914 alleles (0.00077%); highest among the groups gnomAD compares: South Asian, 0.01%; 1 homozygote.

Submission:

Center for Genomic Medicine, Rigshospitalet, Copenhagen University Hospital
Classification: Likely benign. Last evaluated: 2025-03-04. Review status: criteria provided, single submitter. Criteria: ACMG Guidelines, 2015. Collection method: clinical testing. Allele origin: germline.
Comment: Classification criteria: BP4